The following is an entry in ClinVar:

NM_015107.3(PHF8):c.854C>T (p.Ser285Phe)

Gene: PHF8 (PHD finger protein 8; minus strand). Cytogenetic location: Xp11.22.
Variant type: single nucleotide variant.
Coding change: c.854C>T on transcript NM_015107.3 (MANE Select); coding-DNA position 854, C replaced by T.
Protein change: p.Ser285Phe; replaces serine 285 with phenylalanine.
Molecular consequence: missense variant.
Genome position (GRCh38, 1-based): chrX:54,011,214, G>A on the plus strand (C>T on the coding strand, the complement: PHF8 is on the minus strand). VCF-style: chrX-54011214-G-A. GRCh37 (hg19) VCF-style: chrX-54037647-G-A.
Other names: c.962C>T, p.Ser321Phe (NM_001184896.1); c.854C>T, p.Ser285Phe (NM_001184897.2, NM_001184898.2); short protein forms S285F, S321F.
Identifiers: ClinVar variation 3369556 (VCV003369556.1).

ClinVar aggregate classification (germline): Uncertain significance (1 of 4 stars; one submission).

Submission:

GeneDx
Classification: Uncertain significance. Last evaluated: 2024-02-22. Review status: criteria provided, single submitter. Criteria: GeneDx Variant Classification Process June 2021. Collection method: clinical testing. Allele origin: germline. Affected: yes.
Comment: Not observed at significant frequency in large population cohorts (gnomAD); In silico analysis supports that this missense variant has a deleterious effect on protein structure/function; Has not been previously published as pathogenic or benign to our knowledge